The following is an entry in ClinVar:

ClinVar aggregate classification (germline): Uncertain significance (1 of 4 stars; one submission).

Conditions:
Compton-North congenital myopathy (CMYO12). Identifiers: Orphanet 210163, MedGen C2675527, MONDO:0012929, OMIM 612540.

Allele frequency attached by ClinVar (database versions not stated): TOPMed below 0.00001.

Submission:

Labcorp Genetics (formerly Invitae), Labcorp
Classification: Uncertain significance for Compton-North congenital myopathy. Last evaluated: 2019-11-20. Review status: criteria provided, single submitter. Criteria: Invitae Variant Classification Sherloc (09022015). Collection method: clinical testing. Allele origin: germline.
Comment: In summary, the available evidence is currently insufficient to determine the role of this variant in disease. Therefore, it has been classified as a Variant of Uncertain Significance. Algorithms developed to predict the effect of missense changes on protein structure and function (SIFT, PolyPhen-2, Align-GVGD) all suggest that this variant is likely to be disruptive, but these predictions have not been confirmed by published functional studies and their clinical significance is uncertain. This variant is not present in population databases (ExAC no frequency). This variant has not been reported in the literature in individuals with CNTN1-related conditions. This sequence change replaces glutamic acid with lysine at codon 54 of the CNTN1 protein (p.Glu54Lys). The glutamic acid residue is highly conserved and there is a small physicochemical difference between glutamic acid and lysine.

NM_001843.4(CNTN1):c.160G>A (p.Glu54Lys)

Gene: CNTN1 (contactin 1; plus strand). Cytogenetic location: 12q12.
Variant type: single nucleotide variant.
Coding change: c.160G>A on transcript NM_001843.4 (MANE Select); coding-DNA position 160, G replaced by A.
Protein change: p.Glu54Lys; replaces glutamic acid 54 with lysine.
Molecular consequence: missense variant.
Genome position (GRCh38, 1-based): chr12:40,918,704, G>A. VCF-style: chr12-40918704-G-A. GRCh37 (hg19) VCF-style: chr12-41312506-G-A.
Other names: c.160G>A, p.Glu54Lys (NM_001256063.2, NM_001256064.2); c.127G>A, p.Glu43Lys (NM_175038.2); short protein forms E43K, E54K.
Identifiers: ClinVar variation 858715 (VCV000858715.10), dbSNP rs1945330731, ClinGen allele CA384421668.